The following is an entry in ClinVar:

NM_001750.7(CAST):c.74A>C (p.Glu25Ala)

Gene: CAST (calpastatin; plus strand). Cytogenetic location: 5q15.
Variant type: single nucleotide variant.
Coding change: c.74A>C on transcript NM_001750.7 (MANE Select); coding-DNA position 74, A replaced by C.
Protein change: p.Glu25Ala; replaces glutamic acid 25 with alanine.
Molecular consequence: missense variant. On other transcripts: intron variant (1).
Genome position (GRCh38, 1-based): chr5:96,662,496, A>C. VCF-style: chr5-96662496-A-C. GRCh37 (hg19) VCF-style: chr5-95998200-A-C.
Other names: c.74A>C, p.Glu25Ala (NM_001042440.5, NM_001042441.3, NM_001042442.3 and 3 more transcripts); c.-175+331A>C (NM_001190442.2); short protein forms E25A.
Identifiers: ClinVar variation 1902207 (VCV001902207.5), dbSNP rs924323747, ClinGen allele CA123507830.

ClinVar aggregate classification (germline): Uncertain significance (1 of 4 stars; one submission).

Allele frequency attached by ClinVar (database versions not stated): gnomAD 0.00003; TOPMed 0.00007.
gnomAD v4.1: 104 of 1,406,322 alleles (0.0074%); highest among the groups gnomAD compares: Middle Eastern, 0.2%; no homozygotes.

Submission:

Labcorp Genetics (formerly Invitae), Labcorp
Classification: Uncertain significance. Last evaluated: 2025-02-13. Review status: criteria provided, single submitter. Criteria: Invitae Variant Classification Sherloc (09022015). Collection method: clinical testing. Allele origin: germline.
Comment: This sequence change replaces glutamic acid, which is acidic and polar, with alanine, which is neutral and non-polar, at codon 25 of the CAST protein (p.Glu25Ala). The frequency data for this variant in the population databases is considered unreliable, as metrics indicate poor data quality at this position in the gnomAD database. This variant has not been reported in the literature in individuals affected with CAST-related conditions. ClinVar contains an entry for this variant (Variation ID: 1902207). An algorithm developed to predict the effect of missense changes on protein structure and function (PolyPhen-2) suggests that this variant is likely to be disruptive. In summary, the available evidence is currently insufficient to determine the role of this variant in disease. Therefore, it has been classified as a Variant of Uncertain Significance.